The following is an entry in ClinVar:

NM_000214.3(JAG1):c.2429C>G (p.Pro810Arg)

Gene: JAG1 (jagged canonical Notch ligand 1; minus strand). Cytogenetic location: 20p12.2.
Variant type: single nucleotide variant.
Coding change: c.2429C>G on transcript NM_000214.3 (MANE Select); coding-DNA position 2429, C replaced by G.
Protein change: p.Pro810Arg; replaces proline 810 with arginine.
Molecular consequence: missense variant.
Genome position (GRCh38, 1-based): chr20:10,643,807, G>C on the plus strand (C>G on the coding strand, the complement: JAG1 is on the minus strand). VCF-style: chr20-10643807-G-C. GRCh37 (hg19) VCF-style: chr20-10624455-G-C.
Other names: short protein forms P810R.
Identifiers: ClinVar variation 4856415 (VCV004856415.1).

ClinVar aggregate classification (germline): Likely pathogenic (1 of 4 stars; one submission).

Conditions:
Focal segmental glomerulosclerosis 7 (FSGS7). Identifiers: Orphanet 656, MedGen C4014925, MONDO:0014451, OMIM 616002.

Submission:

Molecular Lab, University of Sulaimaniyah
Classification: Likely pathogenic for Focal segmental glomerulosclerosis 7. Last evaluated: 2026-04-06. Review status: criteria provided, single submitter. Criteria: ACMG Guidelines, 2015. Collection method: research. Allele origin: germline. Inheritance: Autosomal dominant inheritance. Affected: yes. Observed: 1 variant allele, 6 homozygotes. Clinical features observed: Biopsy-proven focal segmental glomerulosclerosis.
Comment: This variant was classified using the ACMG/AMP 2015 framework (PMID:25741868). PM2 was considered because the variant is absent or not reported in population databases. PP3 was considered because in silico prediction tools support a deleterious effect. PP4 was used as supporting case-level evidence because the variant was identified in an affected individual from a biopsy-proven focal segmental glomerulosclerosis cohort. As internal case-level support, the variant was observed in 1 affected individual(s) among 35 individuals tested, including 1 single heterozygote. No functional assay evidence is submitted. Overall, the submitted evidence supported a Likely pathogenic classification.